The following is an entry in ClinVar:

ClinVar aggregate classification (germline): Uncertain significance (1 of 4 stars; one submission).

Submission:

GeneDx
Classification: Uncertain significance. Last evaluated: 2023-07-06. Review status: criteria provided, single submitter. Criteria: GeneDx Variant Classification Process June 2021. Collection method: clinical testing. Allele origin: germline. Affected: yes.
Comment: Not observed at significant frequency in large population cohorts (gnomAD); In silico analysis supports that this missense variant does not alter protein structure/function; Has not been previously published as pathogenic or benign to our knowledge

NM_005120.3(MED12):c.2796C>G (p.His932Gln)

Gene: MED12 (mediator complex subunit 12; plus strand). Cytogenetic location: Xq13.1.
Variant type: single nucleotide variant.
Coding change: c.2796C>G on transcript NM_005120.3 (MANE Select); coding-DNA position 2796, C replaced by G.
Protein change: p.His932Gln; replaces histidine 932 with glutamine.
Molecular consequence: missense variant.
Genome position (GRCh38, 1-based): chrX:71,127,079, C>G. VCF-style: chrX-71127079-C-G. GRCh37 (hg19) VCF-style: chrX-70346929-C-G.
Other names: short protein forms H932Q.
Identifiers: ClinVar variation 3360900 (VCV003360900.1).